The following is an entry in ClinVar:

NC_012920.1(MT-TI):m.4295A>G

Gene: MT-TI (mitochondrially encoded tRNA isoleucine; plus strand).
Variant type: single nucleotide variant.
Genome position: chrM-4295-A-G.
Other names: 4295A-G.
Identifiers: ClinVar variation 9603 (VCV000009603.14), dbSNP rs121434467, ClinGen allele CA254841.

ClinVar aggregate classification (germline): Uncertain significance. Review status: reviewed by expert panel (3 of 4 stars). 8 submissions from 7 submitters: Uncertain significance (1). 7 of the submissions do not count toward it. Last evaluated 2023-12-11.

Conditions:
Mitochondrial disease. Also called: Mitochondrial disorder; Mitochondrial disorders. Identifiers: Orphanet 68380, MedGen C0751651, MeSH D028361, MONDO:0044970.
Primary familial hypertrophic cardiomyopathy (HCM). Identifiers: Orphanet 99739, MedGen C0949658, MeSH D024741, MONDO:0024573. Inheritance: Various modes of inheritance.
MELAS syndrome (MELAS). Also called: Juvenile myopathy, encephalopathy, lactic acidosis, stroke. Identifiers: Orphanet 550, MedGen C0162671, MONDO:0010789, OMIM 540000.
Mitochondrial non-syndromic sensorineural hearing loss. Also called: Nonsyndromic Hearing Loss and Deafness, Mitochondrial. Identifiers: Orphanet 90641, MedGen C3151897, MONDO:0010779, OMIM 500008.

Submissions (8):

ClinGen Mitochondrial Disease Nuclear and Mitochondrial  Variant Curation Expert Panel, ClinGen
Classification: Uncertain significance for Mitochondrial disease. Last evaluated: 2023-12-11. Review status: reviewed by expert panel. Criteria: clingen mito disease acmg specifications v1-1. Collection method: curation. Allele origin: germline. Inheritance: Mitochondrial inheritance.
Comment: The m.4295A>G variant in MT-TI has been reported in at least four families from different ethnic groups with features of primary mitochondrial disease including deafness, hearing loss, and cardiomyopathy (PMIDs: 18177739, 22241583, 33398350, 34991096, 8889580; PS4_moderate). Of note, other isolated phenotypes have been reported including essential hypertension and autism spectrum disorder, but these are outside the scope of this curation (PMIDs: 11406419, 19778529, 19043581). This variant is seen in the general population (<0.5% in three large population databases: Mitomap - 112/61168, gnomAD v3.1.2 - 167/56431, and Helix - 923/195983). Notably, these occurrences are almost exclusively in haplogroup (hg) K (110/112 in specifically K1a in Mitomap; 166/167 in hg K in gnomAD, 911/923 in K in Helix) and these three databases combined reported only 15 individuals from non-K haplogroups (H, I, R, X, J, U, and V). In silico predictors are conflicting as the computational predictor MitoTIP suggests this variant is possibly benign (0.44) but HmtVAR predicts it to be pathogenic (0.75). Of note, this variant is 100% conserved among 45 species ranging from Drosophila to Homo sapiens in the extraordinarily conserved anticodon loop of tRNA Isoleucine. Cybrid studies showed multiple deleterious biochemical impacts of the variant in a Chinese family from haplogroup D4j (PMID: 33398350). Other studies showed this variant reduces the efficiency with which tRNAIle can be processed by 3′-tRNase (PMID: 18177739). An in-vitro system utilizing plasmids with tRNAIle inserts showed that this variant reduces the tRNase Z reaction 10.3-fold (PMID: 12655007). On the basis of these strong, independent, and consistent functional studies, this Expert Panel elected to give higher weight to this line of evidence (PS3_moderate). In summary, this variant meets criteria to be classified as uncertain significance for primary mitochondrial disease inherited in a mitochondrial manner. We note there was much discussion of the possible differing roles of this variant in haplogroups K1a (protective or tolerated) and D4j (damaging), however the VCEP elected to keep the classification of this variant as uncertain significance (four of 11 experts felt likely benign was the more appropriate classification). This classification was approved by the NICHD/NINDS U24 ClinGen Mitochondrial Disease Variant Curation Expert Panel on December 11, 2023. Mitochondrial DNA-specific ACMG/AMP criteria applied (PMID: 32906214): PS4_moderate, PS3_moderate.

Wong Mito Lab, Molecular and Human Genetics, Baylor College of Medicine
Classification: Benign for MELAS syndrome. Last evaluated: 2019-07-12. Review status: criteria provided, single submitter. Criteria: Modified ACMG Guidelines (Unpublished). Collection method: clinical testing. Allele origin: germline. Not counted in ClinVar's aggregate classification.
Comment: The NC_012920.1:m.4295A>G variant in MT-TI gene is interpreted to be a Benign variant based on the modified ACMG guidelines (unpublished). This variant meets the following evidence codes reported in the guidelines: BS1, BS4

Athena Diagnostics
Classification: Uncertain significance. Last evaluated: 2019-03-22. Review status: criteria provided, single submitter. Criteria: Athena Diagnostics Criteria. Collection method: clinical testing. Allele origin: germline. Not counted in ClinVar's aggregate classification.

ARUP Laboratories, Molecular Genetics and Genomics, ARUP Laboratories
Classification: Uncertain significance. Last evaluated: 2017-12-22. Review status: criteria provided, single submitter. Criteria: ARUP Molecular Germline Variant Investigation Process. Collection method: clinical testing. Allele origin: germline. Not counted in ClinVar's aggregate classification.
Comment: The m.4295A>G variant (rs121434467) is located at position 33 of the tRNA-isoleucine gene. Although this variant has been reported in patients with diverse symptoms including hypertrophic cardiomyopathy, encephalopathy, non-syndromic hearing loss, occipital stroke and essential hypertension, a consistent clinical presentation has not been identified (Finnila 2001, Gutierrez Cortes 2012, Li 2008, Merante 1996, Zhu 2009). Functional characterization of the variant tRNA indicates a defect in 3' processing (Levinger 2003), resulting in reduced activity of complex III in oxidative phosphorylation; however, the clinical relevance of these observations in not known (Gutierrez Cortes 2012, Merante 1996). Furthermore, the m.4295A>G variant is observed in 10 percent of individuals with the mitochondrial haplogroup K1a (87 out of 916 individual in the MITOMAP database). Therefore, based on the available information, the clinical significance of the m.4295A>G variant cannot be determined with certainty.

Center for Pediatric Genomic Medicine, Children's Mercy Hospital and Clinics
Classification: Uncertain significance. Last evaluated: 2015-01-19. Review status: criteria provided, single submitter. Criteria: ACMG Guidelines, 2015. Collection method: clinical testing. Allele origin: germline. Not counted in ClinVar's aggregate classification.
ClinVar note: Converted during submission from Uncertain Significance to Uncertain significance.

Stanford Center for Inherited Cardiovascular Disease, Stanford University
Classification: Uncertain significance. Review status: criteria provided, single submitter. Criteria: ACMG Guidelines, 2015. Collection method: provider interpretation. Allele origin: germline. Not counted in ClinVar's aggregate classification.

OMIM
Classification: Pathogenic for CARDIOMYOPATHY, FAMILIAL HYPERTROPHIC. Last evaluated: 2012-04-01. Review status: no assertion criteria provided. Collection method: literature only. Allele origin: germline. Not counted in ClinVar's aggregate classification.

OMIM
Classification: Pathogenic for DEAFNESS, NONSYNDROMIC SENSORINEURAL, MITOCHONDRIAL. Last evaluated: 2012-04-01. Review status: no assertion criteria provided. Collection method: literature only. Allele origin: germline. Not counted in ClinVar's aggregate classification.

Literature cited by the submitters: PubMed 31965079 (cited by Wong Mito Lab, Molecular and Human Genetics, Baylor College of Medicine); PubMed 8889580 (cited by 3 submitters); PubMed 22241583 (cited by Athena Diagnostics); PubMed 11406419 (cited by Athena Diagnostics); PubMed 9461455 (cited by Athena Diagnostics); PubMed 12655007 (cited by Athena Diagnostics); PubMed 18177739 (cited by Athena Diagnostics); PubMed 15233983 (cited by Athena Diagnostics); Gutierrez Cortes, N., Pertuiset, C., Dumon, E., Borlin, M., Hebert-Chatelain, E., Pierron, D., Feldmann, D., Jonard, L., Marlin, S., Letellier, T., Rocher, C. Novel mitochondrial DNA mutations responsible for maternally inherited nonsyndromic hearing loss. Hum. Mutat. 33: 681-689, 2012. (cited by OMIM).